The following is an entry in ClinVar:

ClinVar aggregate classification (germline): Uncertain significance. Review status: criteria provided, multiple submitters, no conflicts (2 of 4 stars). 3 submissions from 3 submitters: Uncertain significance (3). Last evaluated 2025-08-20.

Conditions:
Cardiovascular phenotype. Identifiers: MedGen CN230736.
Hypertrophic cardiomyopathy. Also called: HYPERTROPHIC MYOCARDIOPATHY. Identifiers: Orphanet 217569, MedGen C0007194, MeSH D002312, MONDO:0005045, HP:0001639.

Allele frequency attached by ClinVar (database versions not stated): TOPMed below 0.00001; gnomAD 0.00001.
gnomAD v4.1: 16 of 1,408,326 alleles (0.0011%); highest among the groups gnomAD compares: Non-Finnish European, 0.0012%; no homozygotes.

Submissions (3):

Ambry Genetics
Classification: Uncertain significance for Cardiovascular phenotype. Last evaluated: 2025-08-20. Review status: criteria provided, single submitter. Criteria: Ambry Variant Classification Scheme 2023. Collection method: clinical testing. Allele origin: germline.

Labcorp Genetics (formerly Invitae), Labcorp
Classification: Uncertain significance for Hypertrophic cardiomyopathy. Last evaluated: 2024-11-04. Review status: criteria provided, single submitter. Criteria: Invitae Variant Classification Sherloc (09022015). Collection method: clinical testing. Allele origin: germline.
Comment: This sequence change replaces leucine, which is neutral and non-polar, with arginine, which is basic and polar, at codon 204 of the JPH2 protein (p.Leu204Arg). This variant is not present in population databases (gnomAD no frequency). This variant has not been reported in the literature in individuals affected with JPH2-related conditions. ClinVar contains an entry for this variant (Variation ID: 636590). An algorithm developed to predict the effect of missense changes on protein structure and function (PolyPhen-2) suggests that this variant is likely to be disruptive. In summary, the available evidence is currently insufficient to determine the role of this variant in disease. Therefore, it has been classified as a Variant of Uncertain Significance.

Blueprint Genetics
Classification: Uncertain significance. Last evaluated: 2018-03-10. Review status: criteria provided, single submitter. Criteria: ACMG Guidelines, 2015. Collection method: clinical testing. Allele origin: germline.

NM_020433.5(JPH2):c.611T>G (p.Leu204Arg)

Gene: JPH2 (junctophilin 2; minus strand). Cytogenetic location: 20q13.12.
Variant type: single nucleotide variant.
Coding change: c.611T>G on transcript NM_020433.5 (MANE Select); coding-DNA position 611, T replaced by G.
Protein change: p.Leu204Arg; replaces leucine 204 with arginine.
Molecular consequence: missense variant.
Genome position (GRCh38, 1-based): chr20:44,160,176, A>C on the plus strand (T>G on the coding strand, the complement: JPH2 is on the minus strand). VCF-style: chr20-44160176-A-C. GRCh37 (hg19) VCF-style: chr20-42788816-A-C.
Other names: short protein forms L204R.
Identifiers: ClinVar variation 636590 (VCV000636590.14), dbSNP rs1369796322, ClinGen allele CA409094033.
Genomic context (GRCh38, chr20:44,160,176, plus strand): 5'-CCCCGCTGGAAGAGGCCGCCGCCCTTGGGCGCCCGCGCGGCCGCCTCGGCATTGGCCAGG[A>C]GGCTGAGCGCGAAGCCGCCACGCGGGATGGCGGGCGAGGGCAGCGCGGGGCCGTCGGAGG-3'
Protein context (NP_065166.2, residues 194-214): AIPRGGFALS[Leu204Arg]LANAEAAARA